The following is an entry in ClinVar:

NM_001080421.3(UNC13A):c.3881A>G (p.Asn1294Ser)

Gene: UNC13A (unc-13 homolog A; minus strand). Cytogenetic location: 19p13.11.
Variant type: single nucleotide variant.
Coding change: c.3881A>G on transcript NM_001080421.3 (MANE Select); coding-DNA position 3881, A replaced by G.
Protein change: p.Asn1294Ser; replaces asparagine 1294 with serine.
Molecular consequence: missense variant.
Genome position (GRCh38, 1-based): chr19:17,627,548, T>C on the plus strand (A>G on the coding strand, the complement: UNC13A is on the minus strand). VCF-style: chr19-17627548-T-C. GRCh37 (hg19) VCF-style: chr19-17738357-T-C.
Other names: c.3875A>G, p.Asn1292Ser (NM_001387021.1, NM_001387023.1); c.3872A>G, p.Asn1291Ser (NM_001387022.1); short protein forms N1291S, N1292S, N1294S.
Identifiers: ClinVar variation 2634634 (VCV002634634.4), dbSNP rs765072720, ClinGen allele CA9297890.

ClinVar aggregate classification (germline): Uncertain significance. Review status: criteria provided, multiple submitters, no conflicts (2 of 4 stars). 3 submissions from 3 submitters: Uncertain significance (3). Last evaluated 2026-03-09.

Conditions:
UNC13A-related disorder. Also called: UNC13A-related condition.

Allele frequency attached by ClinVar (database versions not stated): TOPMed 0.00012; gnomAD 0.00014; 1000 Genomes Project 30x 0.00016; ExAC 0.00016; gnomAD exomes 0.00017.
gnomAD v4.1: 263 of 1,564,118 alleles (0.017%); highest among the groups gnomAD compares: Middle Eastern, 0.033%; no homozygotes.

Submissions (3):

PreventionGenetics, part of Exact Sciences
Classification: Uncertain significance for UNC13A-related condition. Last evaluated: 2026-03-09. Review status: criteria provided, single submitter. Criteria: ACMG Guidelines, 2015. Collection method: clinical testing. Allele origin: germline.
Comment: The UNC13A c.3881A>G variant is predicted to result in the amino acid substitution p.Asn1294Ser. To our knowledge, this variant has not been reported in the literature. This variant is reported in 0.026% of alleles in individuals of European (Non-Finnish) descent in gnomAD. At this time, the clinical significance of this variant is uncertain due to the absence of conclusive functional and genetic evidence.

Ambry Genetics
Classification: Uncertain significance. Last evaluated: 2024-03-31. Review status: criteria provided, single submitter. Criteria: Ambry Variant Classification Scheme 2023. Collection method: clinical testing. Allele origin: germline.

GeneDx
Classification: Uncertain significance. Last evaluated: 2023-11-22. Review status: criteria provided, single submitter. Criteria: GeneDx Variant Classification Process June 2021. Collection method: clinical testing. Allele origin: germline. Affected: yes.
Comment: In silico analysis supports that this missense variant has a deleterious effect on protein structure/function; Has not been previously published as pathogenic or benign to our knowledge